The following is an entry in ClinVar:

ClinVar aggregate classification (germline): Uncertain significance (3 of 4 stars; one submission).

Conditions:
CYP1B1-related glaucoma with or without anterior segment dysgenesis. Identifiers: MedGen CN375931, MONDO:0800472.

gnomAD v4.1: 3 of 1,613,266 alleles (0.00019%); highest among the groups gnomAD compares: East Asian, 0.0045%; no homozygotes.

Submission:

ClinGen Glaucoma Variant Curation Expert Panel
Classification: Uncertain significance for CYP1B1-related glaucoma with or without anterior segment dysgenesis. Last evaluated: 2026-10-12. Review status: reviewed by expert panel. Criteria: ClinGen Glaucoma ACMG Specifications CYP1B1 V2.0. Collection method: curation. Allele origin: germline. Inheritance: Autosomal recessive inheritance.
Comment: The c.988G>T variant in CYP1B1 is a missense variant predicted to cause substitution of Alanine by Serine at amino acid 330 (p.Ala330Ser). The highest minor allele frequency of this variant was in the East Asian genetic ancestry group of gnomAD (v4.1) = 0.00004459 (2 alleles out of 44,856), which met the ≤ 0.0005 threshold set for PM2_Supporting in a genetic ancestry group of at least 2,000 alleles. The REVEL score = 0.882, which was within the 0.773-0.931 range for PP3_Moderate, predicting a damaging effect on CYP1B1 function. PS3_Supporting was not applied, as although the OddsPath threshold was met (> 2.1), the threshold for abnormal impact on protein function in the assay could not be determined (PMID: 19793111). This variant has not been identified as homozygous or compound heterozygous with another variant in CYP1B1, therefore PM3 was not applied. In summary, this variant met the criteria to receive a score of 3 and to be classified as a variant of uncertain significance (uncertain significance classification range -1 to 5, adapted from PMID: 32720330) for CYP1B1-related glaucoma with or without anterior segment dysgenesis (ASD) based on the ACMG/AMP criteria met, as specified by the ClinGen Glaucoma VCEP (v2.0, 16.07.2026): PP3_Moderate, PM2_Supporting.

NM_000104.4(CYP1B1):c.988G>T (p.Ala330Ser)

Gene: CYP1B1 (cytochrome P450 family 1 subfamily B member 1; minus strand). Cytogenetic location: 2p22.2.
Variant type: single nucleotide variant.
Coding change: c.988G>T on transcript NM_000104.4 (MANE Select); coding-DNA position 988, G replaced by T.
Protein change: p.Ala330Ser; replaces alanine 330 with serine.
Molecular consequence: missense variant.
Genome position (GRCh38, 1-based): chr2:38,074,401, C>A on the plus strand (G>T on the coding strand, the complement: CYP1B1 is on the minus strand). VCF-style: chr2-38074401-C-A. GRCh37 (hg19) VCF-style: chr2-38301544-C-A.
Other names: NM_000104.4:c.988G>T; short protein forms A330S.
Identifiers: ClinVar variation 5018478 (VCV005018478.1).